The following is an entry in ClinVar:

NM_000245.4(MET):c.900C>G (p.Leu300=)

Gene: MET (MET proto-oncogene, receptor tyrosine kinase; plus strand). Cytogenetic location: 7q31.2.
Variant type: single nucleotide variant.
Coding change: c.900C>G on transcript NM_000245.4 (MANE Select); coding-DNA position 900, C replaced by G.
Protein change: p.Leu300=; no amino-acid change (leucine 300 retained).
Molecular consequence: synonymous variant. On other transcripts: intron variant (1).
Genome position (GRCh38, 1-based): chr7:116,699,984, C>G. VCF-style: chr7-116699984-C-G. GRCh37 (hg19) VCF-style: chr7-116340038-C-G.
Other names: c.900C>G, p.Leu300= (NM_001127500.3, NM_001324401.3); c.-91+27407C>G (NM_001324402.2); c.900C>G (NM_001127500.2).
Identifiers: ClinVar variation 822889 (VCV000822889.17), dbSNP rs540354779, ClinGen allele CA457448095.

ClinVar aggregate classification (germline): Benign/Likely benign. Review status: criteria provided, multiple submitters, no conflicts (2 of 4 stars). 5 submissions from 5 submitters: Benign (1); Likely benign (3). 1 of the submissions does not count toward it. Last evaluated 2025-09-03.

Conditions:
MET-related disorder. Also called: MET-related condition.
Papillary renal cell carcinoma type 1 (RCCP1). Also called: RENAL CELL CARCINOMA, PAPILLARY, 1, SOMATIC; Renal adenocarcinoma; Renal cell carcinoma 1; Renal cell carcinoma, somatic. Identifiers: Orphanet 47044, MedGen C1336839, OMIM 605074, HP:0011797.
Renal cell carcinoma. Identifiers: Orphanet 217071, MedGen C0007134, MeSH D002292, MONDO:0005086, HP:0005584.
Hereditary cancer-predisposing syndrome. Also called: Tumor predisposition; Hereditary Cancer Syndrome; Neoplastic Syndromes, Hereditary; Hereditary neoplastic syndrome. Identifiers: Orphanet 140162, MedGen C0027672, MeSH D009386, MONDO:0015356.

Allele frequency attached by ClinVar (database versions not stated): TOPMed 0.00001; gnomAD 0.00003.
gnomAD v4.1: 20 of 1,613,806 alleles (0.0012%); highest among the groups gnomAD compares: Non-Finnish European, 0.0017%; no homozygotes.

Submissions (5):

Labcorp Genetics (formerly Invitae), Labcorp
Classification: Likely benign for Renal cell carcinoma. Last evaluated: 2025-09-03. Review status: criteria provided, single submitter. Criteria: Invitae Variant Classification Sherloc (09022015). Collection method: clinical testing. Allele origin: germline.

Myriad Genetics, Inc.
Classification: Benign for Papillary renal cell carcinoma type 1. Last evaluated: 2024-11-06. Review status: criteria provided, single submitter. Criteria: Myriad Autosomal Dominant, Autosomal Recessive and X-Linked Classification Criteria (2023). Collection method: clinical testing. Allele origin: unknown.
Comment: This variant is considered benign. This variant is a silent/synonymous amino acid change and it is not expected to impact splicing.

Sema4
Classification: Likely benign for Hereditary cancer-predisposing syndrome. Last evaluated: 2022-01-18. Review status: criteria provided, single submitter. Criteria: Sema4 Curation Guidelines. Collection method: curation. Allele origin: germline.

Ambry Genetics
Classification: Likely benign for Hereditary cancer-predisposing syndrome. Last evaluated: 2019-06-07. Review status: criteria provided, single submitter. Criteria: Ambry Variant Classification Scheme 2023. Collection method: clinical testing. Allele origin: germline.

PreventionGenetics, part of Exact Sciences
Classification: Likely benign for MET-related condition. Last evaluated: 2024-02-08. Review status: no assertion criteria provided. Collection method: clinical testing. Allele origin: germline. Not counted in ClinVar's aggregate classification.
Comment: This variant is classified as likely benign based on ACMG/AMP sequence variant interpretation guidelines (Richards et al. 2015 PMID: 25741868, with internal and published modifications).